The following is an entry in ClinVar:

ClinVar aggregate classification (germline): Uncertain significance (1 of 4 stars; one submission).

Allele frequency attached by ClinVar (database versions not stated): gnomAD exomes below 0.00001.
gnomAD v4.1: 2 of 1,583,178 alleles (0.00013%); highest among the groups gnomAD compares: East Asian, 0.0046%; no homozygotes.

Submission:

Labcorp Genetics (formerly Invitae), Labcorp
Classification: Uncertain significance. Last evaluated: 2025-01-23. Review status: criteria provided, single submitter. Criteria: Invitae Variant Classification Sherloc (09022015). Collection method: clinical testing. Allele origin: germline.
Comment: This sequence change replaces leucine, which is neutral and non-polar, with arginine, which is basic and polar, at codon 289 of the DSCAML1 protein (p.Leu289Arg). This variant is present in population databases (no rsID available, gnomAD 0.008%). This variant has not been reported in the literature in individuals affected with DSCAML1-related conditions. ClinVar contains an entry for this variant (Variation ID: 2066549). An algorithm developed to predict the effect of missense changes on protein structure and function (PolyPhen-2) suggests that this variant is likely to be disruptive. In summary, the available evidence is currently insufficient to determine the role of this variant in disease. Therefore, it has been classified as a Variant of Uncertain Significance.

NM_020693.4(DSCAML1):c.686T>G (p.Leu229Arg)

Gene: DSCAML1 (DS cell adhesion molecule like 1; minus strand). Cytogenetic location: 11q23.3.
Variant type: single nucleotide variant.
Coding change: c.686T>G on transcript NM_020693.4 (MANE Select); coding-DNA position 686, T replaced by G.
Protein change: p.Leu229Arg; replaces leucine 229 with arginine.
Molecular consequence: missense variant.
Genome position (GRCh38, 1-based): chr11:117,525,056, A>C on the plus strand (T>G on the coding strand, the complement: DSCAML1 is on the minus strand). VCF-style: chr11-117525056-A-C. GRCh37 (hg19) VCF-style: chr11-117395771-A-C.
Other names: c.686T>G, p.Leu229Arg (NM_001367904.1); c.278T>G, p.Leu93Arg (NM_001367905.1); short protein forms L93R, L229R.
Identifiers: ClinVar variation 2066549 (VCV002066549.4), dbSNP rs1448984905, ClinGen allele CA382750075.